The following is an entry in ClinVar:

ClinVar aggregate classification (germline): Uncertain significance (1 of 4 stars; one submission).

gnomAD v4.1: 1 of 1,610,824 alleles (0.000062%); highest among the groups gnomAD compares: Admixed American, 0.0017%; no homozygotes.

Submission:

GeneDx
Classification: Uncertain significance. Last evaluated: 2026-02-26. Review status: criteria provided, single submitter. Criteria: GeneDx Variant Classification Process June 2021. Collection method: clinical testing. Allele origin: germline.
Comment: Not observed at significant frequency in large population cohorts (gnomAD); In silico analysis supports a deleterious effect on splicing; In silico analysis suggests that this missense variant does not alter protein structure/function; Has not been previously published as pathogenic or benign to our knowledge

NM_016239.4(MYO15A):c.4876G>A (p.Glu1626Lys)

Gene: MYO15A (myosin XVA; plus strand). Cytogenetic location: 17p11.2.
Variant type: single nucleotide variant.
Coding change: c.4876G>A on transcript NM_016239.4 (MANE Select); coding-DNA position 4876, G replaced by A.
Protein change: p.Glu1626Lys; replaces glutamic acid 1626 with lysine.
Molecular consequence: missense variant.
Genome position (GRCh38, 1-based): chr17:18,138,115, G>A. VCF-style: chr17-18138115-G-A. GRCh37 (hg19) VCF-style: chr17-18041429-G-A.
Other names: short protein forms E1626K.
Identifiers: ClinVar variation 5010098 (VCV005010098.1).